The following is an entry in ClinVar:

ClinVar aggregate classification (germline): Uncertain significance. Review status: criteria provided, multiple submitters, no conflicts (2 of 4 stars). 3 submissions from 3 submitters: Uncertain significance (3). Last evaluated 2025-10-03.

Allele frequency attached by ClinVar (database versions not stated): gnomAD 0.00001.
gnomAD v4.1: 22 of 1,613,094 alleles (0.0014%); highest among the groups gnomAD compares: East Asian, 0.013%; no homozygotes.

Submissions (3):

Labcorp Genetics (formerly Invitae), Labcorp
Classification: Uncertain significance. Last evaluated: 2025-10-03. Review status: criteria provided, single submitter. Criteria: Invitae Variant Classification Sherloc (09022015). Collection method: clinical testing. Allele origin: germline.
Comment: This sequence change replaces arginine, which is basic and polar, with cysteine, which is neutral and slightly polar, at codon 1761 of the NOTCH3 protein (p.Arg1761Cys). This variant is present in population databases (rs771814027, gnomAD 0.01%). This variant has not been reported in the literature in individuals affected with NOTCH3-related conditions. ClinVar contains an entry for this variant (Variation ID: 1163128). Invitae Evidence Modeling of protein sequence and biophysical properties (such as structural, functional, and spatial information, amino acid conservation, physicochemical variation, residue mobility, and thermodynamic stability) has been performed for this missense variant. However, the output from this modeling did not meet the statistical confidence thresholds required to predict the impact of this variant on NOTCH3 protein function. This variant disrupts the p.Arg1761 amino acid residue in NOTCH3. Other variant(s) that disrupt this residue have been determined to be pathogenic (PMID: 33254371, 34335700). This suggests that this residue is clinically significant, and that variants that disrupt this residue are likely to be disease-causing. In summary, the available evidence is currently insufficient to determine the role of this variant in disease. Therefore, it has been classified as a Variant of Uncertain Significance.

Athena Diagnostics
Classification: Uncertain significance. Last evaluated: 2021-04-29. Review status: criteria provided, single submitter. Criteria: Athena Diagnostics criteria. Collection method: clinical testing. Allele origin: unknown.

Mayo Clinic Laboratories, Mayo Clinic
Classification: Uncertain significance. Last evaluated: 2019-05-06. Review status: criteria provided, single submitter. Criteria: ACMG Guidelines, 2015. Collection method: clinical testing. Allele origin: germline. Observed: 1 variant allele.

Literature cited by the submitters: PubMed 33254371 (cited by Labcorp Genetics (formerly Invitae), Labcorp); PubMed 34335700 (cited by Labcorp Genetics (formerly Invitae), Labcorp).

NM_000435.3(NOTCH3):c.5281C>T (p.Arg1761Cys)

Gene: NOTCH3 (notch receptor 3; minus strand). Cytogenetic location: 19p13.12.
Variant type: single nucleotide variant.
Coding change: c.5281C>T on transcript NM_000435.3 (MANE Select); coding-DNA position 5281, C replaced by T.
Protein change: p.Arg1761Cys; replaces arginine 1761 with cysteine.
Molecular consequence: missense variant.
Genome position (GRCh38, 1-based): chr19:15,167,330, G>A on the plus strand (C>T on the coding strand, the complement: NOTCH3 is on the minus strand). VCF-style: chr19-15167330-G-A. GRCh37 (hg19) VCF-style: chr19-15278141-G-A.
Other names: short protein forms R1761C.
Identifiers: ClinVar variation 1163128 (VCV001163128.8), dbSNP rs771814027, ClinGen allele CA9262677.